The following is an entry in ClinVar:

ClinVar aggregate classification (germline): Benign/Likely benign. Review status: criteria provided, multiple submitters, no conflicts (2 of 4 stars). 4 submissions from 4 submitters: Benign (1); Likely benign (3). Last evaluated 2025-05-22.

Conditions:
Gastrointestinal stromal tumor. Also called: Gastrointestinal stromal tumor, somatic; Gastrointestinal stroma tumor. Identifiers: Orphanet 44890, MedGen C0238198, MeSH D046152, MONDO:0011719, OMIM 606764, HP:0100723.
Pheochromocytoma/paraganglioma syndrome 4. Also called: SDHB-Related Hereditary Paraganglioma-Pheochromocytoma Syndrome (Paragangliomas 4); SDHB-Related Hereditary Paraganglioma-Pheochromocytoma Syndrome; CAROTID BODY TUMORS AND MULTIPLE EXTRAADRENAL PHEOCHROMOCYTOMAS; PARAGANGLIOMA, FAMILIAL MALIGNANT; PARAGANGLIOMAS, HEREDITARY EXTRAADRENAL; PHEOCHROMOCYTOMA, FAMILIAL EXTRAADRENAL. Identifiers: Orphanet 29072, MedGen C1861848, MONDO:0007273, OMIM 115310.
Pheochromocytoma. Also called: MAX-Related Hereditary Paraganglioma-Pheochromocytoma Syndrome. Identifiers: Orphanet 29072, MedGen C0031511, MONDO:0008233, OMIM 171300, HP:0002666.
Hereditary cancer-predisposing syndrome. Also called: Neoplastic Syndromes, Hereditary; Hereditary Cancer Syndrome; Hereditary neoplastic syndrome; Tumor predisposition. Identifiers: Orphanet 140162, MedGen C0027672, MeSH D009386, MONDO:0015356.
Hereditary pheochromocytoma and paraganglioma. Also called: Hereditary pheochromocytoma-paraganglioma; Hereditary Paraganglioma-Pheochromocytoma Syndromes; Hereditary paragangliomas and pheochromocytomas. Identifiers: Orphanet 29072, MedGen C4274332, MONDO:0017366.

Allele frequency attached by ClinVar (database versions not stated): gnomAD exomes below 0.00001.
gnomAD v4.1: 2 of 1,614,064 alleles (0.00012%); highest among the groups gnomAD compares: Non-Finnish European, 0.00017%; no homozygotes.

Submissions (4):

Labcorp Genetics (formerly Invitae), Labcorp
Classification: Likely benign for Gastrointestinal stromal tumor; Pheochromocytoma/paraganglioma syndrome 4; Pheochromocytoma. Last evaluated: 2025-05-22. Review status: criteria provided, single submitter. Criteria: Invitae Variant Classification Sherloc (09022015). Collection method: clinical testing. Allele origin: germline.

Myriad Genetics, Inc.
Classification: Benign for Pheochromocytoma/paraganglioma syndrome 4. Last evaluated: 2025-03-13. Review status: criteria provided, single submitter. Criteria: Myriad Autosomal Dominant, Autosomal Recessive and X-Linked Classification Criteria (2023). Collection method: clinical testing. Allele origin: unknown.
Comment: This variant is considered benign. This variant is a silent/synonymous amino acid change and it is not expected to impact splicing.

All of Us Research Program, National Institutes of Health
Classification: Likely benign for Hereditary pheochromocytoma and paraganglioma. Last evaluated: 2024-05-14. Review status: criteria provided, single submitter. Criteria: ACMG Guidelines, 2015. Collection method: clinical testing. Allele origin: germline. Inheritance: Autosomal dominant inheritance. Observed: 1 variant allele, 1 heterozygote.
Comment: This study involves interpretation of variants in research participants for the purpose of population health screening. Participant phenotype was not available at the time of variant classification. Additional details can be found in publication PMID: 35346344, PMCID: PMC8962531

Ambry Genetics
Classification: Likely benign for Hereditary cancer-predisposing syndrome. Last evaluated: 2018-11-09. Review status: criteria provided, single submitter. Criteria: Ambry Variant Classification Scheme 2023. Collection method: clinical testing. Allele origin: germline.

NM_003000.3(SDHB):c.738C>T (p.Ile246=)

Gene: SDHB (succinate dehydrogenase complex iron sulfur subunit B; minus strand). Cytogenetic location: 1p36.13.
Variant type: single nucleotide variant.
Coding change: c.738C>T on transcript NM_003000.3 (MANE Select); coding-DNA position 738, C replaced by T.
Protein change: p.Ile246=; no amino-acid change (isoleucine 246 retained).
Molecular consequence: synonymous variant.
Genome position (GRCh38, 1-based): chr1:17,022,635, G>A on the plus strand (C>T on the coding strand, the complement: SDHB is on the minus strand). VCF-style: chr1-17022635-G-A. GRCh37 (hg19) VCF-style: chr1-17349130-G-A.
Identifiers: ClinVar variation 699234 (VCV000699234.13), dbSNP rs1476198465, ClinGen allele CA416081803.
Genomic context (GRCh38, chr1:17,022,635, plus strand): 5'-GAGGCAGAGCTGAGGGTCACCAGCCCCACGTACCTTAGGACAGGTCCTTGTGCAGTTCAT[G>A]ATGGTGTGGCAGCGGTATAGAGAGAATGGGTCCTGCAGCTTGGCCAGGCGCTCCTCTGTG-3'
Protein context (NP_002991.2, residues 236-256): DPFSLYRCHT[Ile246=]MNCTRTCPKG